The following is an entry in ClinVar:

NM_001374828.1(ARID1B):c.3997C>G (p.Leu1333Val)

Gene: ARID1B (AT-rich interaction domain 1B; plus strand). Cytogenetic location: 6q25.3.
Variant type: single nucleotide variant.
Coding change: c.3997C>G on transcript NM_001374828.1 (MANE Select); coding-DNA position 3997, C replaced by G.
Protein change: p.Leu1333Val; replaces leucine 1333 with valine.
Molecular consequence: missense variant.
Genome position (GRCh38, 1-based): chr6:157,189,719, C>G. VCF-style: chr6-157189719-C-G. GRCh37 (hg19) VCF-style: chr6-157510853-C-G.
Other names: c.1498C>G, p.Leu500Val (NM_001363725.2); c.3877C>G, p.Leu1293Val (NM_001371656.1, NM_001374820.1); c.3838C>G, p.Leu1280Val (NM_017519.3); c.3628C>G, p.Leu1210Val (NM_020732.3); short protein forms L1210V, L500V, L1280V, L1293V, L1333V.
Identifiers: ClinVar variation 589128 (VCV000589128.37), dbSNP rs138482029, ClinGen allele CA4067488.

ClinVar aggregate classification (germline): Benign/Likely benign. Review status: criteria provided, multiple submitters, no conflicts (2 of 4 stars). 6 submissions from 6 submitters: Benign (2); Likely benign (3). 1 of the submissions does not count toward it. Last evaluated 2026-01-21.

Conditions:
ARID1B-Related Disorder. Identifiers: MedGen CN381337.
Coffin-Siris syndrome 1 (CSS1). Also called: Mental retardation, autosomal dominant 12; ARID1B-Related Coffin-Siris Syndrome. Identifiers: Orphanet 1465, MedGen C3281201, MONDO:0007617, OMIM 135900. Disease mechanism: gain of function.
Inborn genetic diseases. Identifiers: MedGen C0950123, MeSH D030342.

Allele frequency attached by ClinVar (database versions not stated): TOPMed 0.00010; gnomAD exomes 0.00011; ExAC 0.00012; ESP Exome Variant Server 0.00015; gnomAD 0.00025; 1000 Genomes Project 30x 0.00094; 1000 Genomes Project 0.00100.
gnomAD v4.1: 80 of 1,614,046 alleles (0.005%); highest among the groups gnomAD compares: East Asian, 0.056%; no homozygotes.

Submissions (6):

Labcorp Genetics (formerly Invitae), Labcorp
Classification: Likely benign. Last evaluated: 2026-01-21. Review status: criteria provided, single submitter. Criteria: Invitae Variant Classification Sherloc (09022015). Collection method: clinical testing. Allele origin: germline.

CeGaT Center for Human Genetics Tuebingen
Classification: Likely benign. Last evaluated: 2025-05-01. Review status: criteria provided, single submitter. Criteria: CeGaT Center For Human Genetics Tuebingen Variant Classification Criteria Version 2. Collection method: clinical testing. Allele origin: germline. Affected: yes. Observed: 2 variant alleles.
Comment: ARID1B: BS1

Genome-Nilou Lab
Classification: Benign for Coffin-Siris syndrome 1. Last evaluated: 2021-07-15. Review status: criteria provided, single submitter. Criteria: ACMG Guidelines, 2015. Collection method: clinical testing. Allele origin: germline. Affected: no.

GeneDx
Classification: Benign. Last evaluated: 2021-07-02. Review status: criteria provided, single submitter. Criteria: GeneDx Variant Classification Process June 2021. Collection method: clinical testing. Allele origin: germline. Affected: yes.

Ambry Genetics
Classification: Likely benign for Inborn genetic diseases. Last evaluated: 2017-05-26. Review status: criteria provided, single submitter. Criteria: Ambry Variant Classification Scheme 2023. Collection method: clinical testing. Allele origin: germline.

PreventionGenetics, part of Exact Sciences
Classification: Likely benign for ARID1B-related condition. Last evaluated: 2021-05-24. Review status: no assertion criteria provided. Collection method: clinical testing. Allele origin: germline. Not counted in ClinVar's aggregate classification.
Comment: This variant is classified as likely benign based on ACMG/AMP sequence variant interpretation guidelines (Richards et al. 2015 PMID: 25741868, with internal and published modifications).